The following is an entry in ClinVar:

NM_001029883.3(PCARE):c.2242G>A (p.Gly748Arg)

Gene: PCARE (photoreceptor cilium actin regulator; minus strand). Cytogenetic location: 2p23.2.
Variant type: single nucleotide variant.
Coding change: c.2242G>A on transcript NM_001029883.3 (MANE Select); coding-DNA position 2242, G replaced by A.
Protein change: p.Gly748Arg; replaces glycine 748 with arginine.
Molecular consequence: missense variant.
Genome position (GRCh38, 1-based): chr2:29,072,020, C>T on the plus strand (G>A on the coding strand, the complement: PCARE is on the minus strand). VCF-style: chr2-29072020-C-T. GRCh37 (hg19) VCF-style: chr2-29294886-C-T.
Other names: short protein forms G748R.
Identifiers: ClinVar variation 2064048 (VCV002064048.4), dbSNP rs754327204, ClinGen allele CA1592253.

ClinVar aggregate classification (germline): Uncertain significance (1 of 4 stars; one submission).

Allele frequency attached by ClinVar (database versions not stated): gnomAD exomes below 0.00001; ExAC 0.00001.

Submission:

Labcorp Genetics (formerly Invitae), Labcorp
Classification: Uncertain significance. Last evaluated: 2022-10-24. Review status: criteria provided, single submitter. Criteria: Invitae Variant Classification Sherloc (09022015). Collection method: clinical testing. Allele origin: germline.
Comment: In summary, the available evidence is currently insufficient to determine the role of this variant in disease. Therefore, it has been classified as a Variant of Uncertain Significance. This variant is present in population databases (rs754327204, gnomAD 0.0009%). This variant has not been reported in the literature in individuals affected with PCARE-related conditions. Algorithms developed to predict the effect of missense changes on protein structure and function output the following: SIFT: "Tolerated"; PolyPhen-2: "Benign"; Align-GVGD: "Class C0". The arginine amino acid residue is found in multiple mammalian species, which suggests that this missense change does not adversely affect protein function. This sequence change replaces glycine, which is neutral and non-polar, with arginine, which is basic and polar, at codon 748 of the PCARE protein (p.Gly748Arg).